The following is an entry in ClinVar:

ClinVar aggregate classification (germline): Conflicting classifications of pathogenicity. Review status: criteria provided, conflicting classifications (1 of 4 stars). 11 submissions from 11 submitters: Pathogenic (2); Likely pathogenic (1); Uncertain significance (6). 2 of the submissions do not count toward it. Last evaluated 2026-01-09.

Conditions:
USH2A-related disorder. Also called: USH2A-related condition; USH2A-related disorders. Identifiers: MedGen CN239332.
Retinal dystrophy. Also called: Inherited retinal dystrophy. Identifiers: Orphanet 71862, MedGen C0854723, MeSH D058499, MONDO:0019118, HP:0000556.
Usher syndrome type 2A. Also called: USHER SYNDROME, TYPE IIA; RETINAL DISEASE IN USHER SYNDROME TYPE IIA, MODIFIER OF. Identifiers: Orphanet 231178, Orphanet 886, MedGen C1848634, MONDO:0010169, OMIM 276901.
Retinitis pigmentosa 39 (RP39). Identifiers: Orphanet 791, MedGen C3151138, MONDO:0013436, OMIM 613809.
Retinitis pigmentosa (RP). Identifiers: Orphanet 791, MedGen C0035334, MeSH D012174, MONDO:0019200, OMIM 268000. Inheritance: Autosomal dominant, autosomal recessive and X linked inheritance.

Allele frequency attached by ClinVar (database versions not stated): gnomAD exomes 0.00007 and 0.00008; TOPMed 0.00008; ExAC 0.00009; gnomAD 0.00009; ESP Exome Variant Server 0.00023.
gnomAD v4.1: 119 of 1,613,976 alleles (0.0074%); highest among the groups gnomAD compares: Middle Eastern, 0.016%; no homozygotes.

Submissions (11):

Labcorp Genetics (formerly Invitae), Labcorp
Classification: Pathogenic. Last evaluated: 2026-01-09. Review status: criteria provided, single submitter. Criteria: Invitae Variant Classification Sherloc (09022015). Collection method: clinical testing. Allele origin: germline.
Comment: This sequence change replaces serine, which is neutral and polar, with phenylalanine, which is neutral and non-polar, at codon 4111 of the USH2A protein (p.Ser4111Phe). This variant is present in population databases (rs142095945, gnomAD 0.02%). This missense change has been observed in individual(s) with clinical features of USH2A-related conditions (PMID: 30902645, 32037395; internal data). In at least one individual the data is consistent with being in trans (on the opposite chromosome) from a pathogenic variant. ClinVar contains an entry for this variant (Variation ID: 48396). Invitae Evidence Modeling of protein sequence and biophysical properties (such as structural, functional, and spatial information, amino acid conservation, physicochemical variation, residue mobility, and thermodynamic stability) indicates that this missense variant is not expected to disrupt USH2A protein function with a negative predictive value of 95%. For these reasons, this variant has been classified as Pathogenic.

Blueprint Genetics
Classification: Pathogenic for USH2A-related disorders. Last evaluated: 2024-09-23. Review status: criteria provided, single submitter. Criteria: ACMG Guidelines, 2015. Collection method: clinical testing. Allele origin: germline. Affected: yes. Observed: 5 variant alleles.

Baylor Genetics
Classification: Likely pathogenic for Retinitis pigmentosa 39. Last evaluated: 2024-03-25. Review status: criteria provided, single submitter. Criteria: ACMG Guidelines, 2015. Collection method: clinical testing. Allele origin: unknown.

Victorian Clinical Genetics Services, Murdoch Childrens Research Institute
Classification: Uncertain significance for Retinitis pigmentosa 39. Last evaluated: 2023-07-17. Review status: criteria provided, single submitter. Criteria: ACMG Guidelines, 2015. Collection method: clinical testing. Allele origin: germline. Inheritance: Autosomal recessive inheritance.
Comment: Based on the classification scheme VCGS_Germline_v1.3.4, this variant is classified as VUS-3A. Following criteria are met: 0102 - Loss of function is a known mechanism of disease in this gene and is associated with Retinitis pigmentosa 39 (MIM#613809) and Usher syndrome, type 2A (MIM#276901). (I) 0106 - This gene is associated with autosomal recessive disease. (I) 0200 - Variant is predicted to result in a missense amino acid change from serine to phenylalanine. (I) 0251 - This variant is heterozygous. (I) 0304 - Variant is present in gnomAD (v2) <0.01 for a recessive condition (21 heterozygotes, 0 homozygotes). (SP) 0502 - Missense variant with conflicting in silico predictions and uninformative conservation. (I) 0604 - Variant is not located in an established domain, motif, hotspot or informative constraint region. (I) 0705 - No comparable missense variants have previous evidence for pathogenicity. (I) 0809 - Previous evidence of pathogenicity for this variant is inconclusive. This variant has been reported in two patients with inherited retinal dystrophy (PMID: 32037395, 33623043) and both classified as VUS. It has also been reported as VUS and pathogenic in ClinVar. (I) 0905 - No published segregation evidence has been identified for this variant. (I) 1007 - No published functional evidence has been identified for this variant. (I) Legend: (SP) - Supporting pathogenic, (I) - Information, (SB) - Supporting benign

Fulgent Genetics
Classification: Uncertain significance for Usher syndrome type 2A; Retinitis pigmentosa 39. Last evaluated: 2021-08-22. Review status: criteria provided, single submitter. Criteria: ACMG Guidelines, 2015. Collection method: clinical testing. Allele origin: unknown.

Ocular Genomics Institute, Massachusetts Eye and Ear
Classification: Uncertain significance for Retinitis pigmentosa 39. Last evaluated: 2021-04-08. Review status: criteria provided, single submitter. Criteria: ACMG Guidelines, 2015. Collection method: research. Allele origin: germline. Affected: yes.
Comment: Through a review of available evidence we were able to apply the following criteria: PM2. Based on this evidence we have classified this variant as Variant of Uncertain Significance.

Institute of Human Genetics, Univ. Regensburg, Univ. Regensburg
Classification: Uncertain significance for Retinal dystrophy. Last evaluated: 2013-01-01. Review status: criteria provided, single submitter. Criteria: ACMG Guidelines, 2015. Collection method: clinical testing. Allele origin: germline. Affected: yes.

Laboratory for Molecular Medicine, Mass General Brigham Personalized Medicine
Classification: Uncertain significance. Last evaluated: 2011-04-08. Review status: criteria provided, single submitter. Criteria: LMM Criteria. Collection method: clinical testing. Allele origin: germline. Observed: 3 variant alleles.
Comment: Variant classified as Uncertain Significance - Favor Benign. The Ser4111Phe vari ant in USH2A has not been reported in the literature; however, this variant has been identified by our laboratory in two other individual with hearing loss; nei ther of whom had a second USH2A variant. Computational analyses (biochemical ami no acid properties, homology, PolyPhen2, SIFT, AlignGVGD) do not provide strong support for or against pathogenicity. In summary, the clinical significance of t his variant cannot be determined with certainty at this time; however, based upo n this data we would lean towards a more likely benign interpretation.

Department of Genetics, Fundacion Jimenez Diaz University Hospital
Classification: Uncertain significance for Retinitis pigmentosa. Review status: criteria provided, single submitter. Criteria: ACMG Guidelines, 2015. Collection method: clinical testing. Allele origin: unknown. Affected: yes.
Comment: This variant is present in population databases (rs142095945, gnomAD_exomes 0.008%), missense variant in a gene that has a low rate of benign missense variation, predicted benign by in-silico pathogenicity predictors. (ACMG: PM2 Moderate, PP2 Supporting, BP4 Supporting). Found in trans with variant NM_206933:c.12332C>T)

PreventionGenetics, part of Exact Sciences
Classification: Likely pathogenic for USH2A-related condition. Last evaluated: 2024-08-13. Review status: no assertion criteria provided. Collection method: clinical testing. Allele origin: germline. Not counted in ClinVar's aggregate classification.
Comment: The USH2A c.12332C>T variant is predicted to result in the amino acid substitution p.Ser4111Phe. This variant has been reported along with a second USH2A variant in individuals with retinitis pigmentosa (Table S2, Martin-Merida et al. 2019. PubMed ID: 30902645; Table S2, Zampaglione et al. 2020. PubMed ID: 32037395). This variant is reported in 0.015% of alleles in individuals of European (Non-Finnish) descent in gnomAD. This variant is interpreted as likely pathogenic.

Natera, Inc.
Classification: Uncertain significance for Usher syndrome type 2A. Last evaluated: 2019-11-11. Review status: no assertion criteria provided. Collection method: clinical testing. Allele origin: germline. Not counted in ClinVar's aggregate classification.

Literature cited by the submitters: PubMed 30902645 (cited by Labcorp Genetics (formerly Invitae), Labcorp and Institute of Human Genetics, Univ. Regensburg, Univ. Regensburg); PubMed 32037395 (cited by 3 submitters); PubMed 33623043 (cited by Victorian Clinical Genetics Services, Murdoch Childrens Research Institute); PubMed 34426522 (cited by Institute of Human Genetics, Univ. Regensburg, Univ. Regensburg).

NM_206933.4(USH2A):c.12332C>T (p.Ser4111Phe)

Gene: USH2A (usherin; minus strand). Cytogenetic location: 1q41.
Variant type: single nucleotide variant.
Coding change: c.12332C>T on transcript NM_206933.4 (MANE Select); coding-DNA position 12332, C replaced by T.
Protein change: p.Ser4111Phe; replaces serine 4111 with phenylalanine.
Molecular consequence: missense variant.
Genome position (GRCh38, 1-based): chr1:215,675,579, G>A on the plus strand (C>T on the coding strand, the complement: USH2A is on the minus strand). VCF-style: chr1-215675579-G-A. GRCh37 (hg19) VCF-style: chr1-215848921-G-A.
Other names: short protein forms S4111F.
Identifiers: ClinVar variation 48396 (VCV000048396.21), dbSNP rs142095945, ClinGen allele CA143284.